The following is an entry in ClinVar:

NM_003718.5(CDK13):c.4050T>A (p.Val1350=)

Gene: CDK13 (cyclin dependent kinase 13; plus strand). Cytogenetic location: 7p14.1.
Variant type: single nucleotide variant.
Coding change: c.4050T>A on transcript NM_003718.5 (MANE Select); coding-DNA position 4050, T replaced by A.
Protein change: p.Val1350=; no amino-acid change (valine 1350 retained).
Molecular consequence: synonymous variant.
Genome position (GRCh38, 1-based): chr7:40,094,491, T>A. VCF-style: chr7-40094491-T-A. GRCh37 (hg19) VCF-style: chr7-40134090-T-A.
Other names: c.3870T>A, p.Val1290= (NM_031267.4).
Identifiers: ClinVar variation 738243 (VCV000738243.11), dbSNP rs145731229, ClinGen allele CA4229063.

ClinVar aggregate classification (germline): Benign. Review status: criteria provided, single submitter (1 of 4 stars). 2 submissions from 2 submitters: Benign (1). 1 of the submissions does not count toward it. Last evaluated 2025-12-10.

Conditions:
CDK13-related disorder. Also called: CDK13-related condition. Identifiers: MedGen C5816700.

Allele frequency attached by ClinVar (database versions not stated): ExAC 0.00026; 1000 Genomes Project 30x 0.00031; gnomAD exomes 0.00026; 1000 Genomes Project 0.00040; gnomAD 0.00105 and 0.00117; ESP Exome Variant Server 0.00108; TOPMed 0.00112.
gnomAD v4.1: 310 of 1,613,628 alleles (0.019%); highest among the groups gnomAD compares: African/African-American, 0.35%; no homozygotes.

Submissions (2):

Labcorp Genetics (formerly Invitae), Labcorp
Classification: Benign. Last evaluated: 2025-12-10. Review status: criteria provided, single submitter. Criteria: Invitae Variant Classification Sherloc (09022015). Collection method: clinical testing. Allele origin: germline.

PreventionGenetics, part of Exact Sciences
Classification: Likely benign for CDK13-related condition. Last evaluated: 2022-02-10. Review status: no assertion criteria provided. Collection method: clinical testing. Allele origin: germline. Not counted in ClinVar's aggregate classification.
Comment: This variant is classified as likely benign based on ACMG/AMP sequence variant interpretation guidelines (Richards et al. 2015 PMID: 25741868, with internal and published modifications).